The following is an entry in ClinVar:

NM_020533.3(MCOLN1):c.406-2A>G

Gene: MCOLN1 (mucolipin TRP cation channel 1; plus strand). Cytogenetic location: 19p13.2.
Variant type: single nucleotide variant.
Coding change: c.406-2A>G on transcript NM_020533.3 (MANE Select); the canonical splice acceptor site of the intron before coding-DNA position 406, A replaced by G.
Molecular consequence: splice acceptor variant.
Genome position (GRCh38, 1-based): chr19:7,526,759, A>G. VCF-style: chr19-7526759-A-G. GRCh37 (hg19) VCF-style: chr19-7591645-A-G.
Other names: IVS3-2A>G; IVS3AS, A-G, -2; c.406-2G>A (NM_020533.3).
Identifiers: ClinVar variation 5131 (VCV000005131.67), dbSNP rs104886461, ClinGen allele CA284833.

ClinVar aggregate classification (germline): Pathogenic. Review status: criteria provided, multiple submitters, no conflicts (2 of 4 stars). 17 submissions from 17 submitters: Pathogenic (14). 3 of the submissions do not count toward it. Last evaluated 2026-07-01.

Conditions:
Mucolipidosis type IV (ML4). Also called: ML IV. Identifiers: Orphanet 578, MedGen C0238286, MONDO:0009653, OMIM 252650.
Lisch epithelial corneal dystrophy (LECD). Also called: BAND-SHAPED AND WHORLED MICROCYSTIC CORNEAL EPITHELIAL DYSTROPHY. Identifiers: Orphanet 98955, MedGen C2749050, MONDO:0010425, OMIM 620763.
MCOLN1-related disorder. Also called: MCOLN1-related condition.
MCOLN1-related disorders.
Mucolipidosis. Also called: Mucolipidoses. Identifiers: Orphanet 79212, MedGen C0026697, MONDO:0019248.

Allele frequency attached by ClinVar (database versions not stated): gnomAD 0.00008 and 0.00009; gnomAD exomes 0.00009 and 0.00021; TOPMed 0.00014; ExAC 0.00018.
gnomAD v4.1: 169 of 1,613,752 alleles (0.01%); highest among the groups gnomAD compares: Admixed American, 0.0067%; no homozygotes.

Submissions 1 to 11 of 20:

GeneDx
Classification: Pathogenic. Last evaluated: 2026-07-01. Review status: criteria provided, single submitter. Criteria: GeneDx Variant Classification Process June 2021. Collection method: clinical testing. Allele origin: germline.
Comment: Reverse transcription polymerase chain reaction of RNA extracted from individuals affected with mucolipidosis type IV who harbored c.406-2 A>G revealed aberrant spicing (PMID: 10973263); Canonical splice site variant predicted to result in a null allele in a gene for which loss of function is a known mechanism of disease; This variant is associated with the following publications: (PMID: 25525159, 21228398, 11845410, 31663226, 10973263, 28392473, 10441585, 19815695, 11013137, 11030752, 11317355, 23891399, 30609409, 31980526, 37972748, 37267771, 35425852, 17384215, 23555759, 16645217, 16287144, 11551108, 15523648)

Otogenetics
Classification: Pathogenic for Mucolipidosis type IV. Last evaluated: 2026-02-23. Review status: criteria provided, single submitter. Criteria: ACMG Guidelines, 2015. Collection method: clinical testing. Allele origin: germline.
Comment: PVS1: Null variant occurring in a canonical splice site (acceptor site) in gene with loss of function as mechanism of disease, disrupting the reading frame and predicted to undergo NMD; PM3_VeryStrong: Variant reported in homozygous state in one affected individual and in trans with four pathogenic variants in seven individuals affected with mucolipidosis type IV (PMID: 11013137, 11317355)

Labcorp Genetics (formerly Invitae), Labcorp
Classification: Pathogenic for Mucolipidosis type IV. Last evaluated: 2026-01-24. Review status: criteria provided, single submitter. Criteria: Invitae Variant Classification Sherloc (09022015). Collection method: clinical testing. Allele origin: germline.
Comment: This sequence change affects an acceptor splice site in intron 3 of the MCOLN1 gene. RNA analysis indicates that disruption of this splice site induces altered splicing and may result in an absent or altered protein product. This variant is present in population databases (rs104886461, gnomAD 0.4%). Disruption of this splice site has been observed in individuals with Lisch epithelial corneal dystrophy and/or mucolipidosis type IV (PMID: 11013137, 19815695, 37972748). It is commonly reported in individuals of Ashkenazi ancestry (PMID: 11013137, 19815695). ClinVar contains an entry for this variant (Variation ID: 5131). Studies have shown that disruption of this splice site results in exon 4 skipping, and produces a non-functional protein and/or introduces a premature termination codon (PMID: 11013137). For these reasons, this variant has been classified as Pathogenic.

PreventionGenetics, part of Exact Sciences
Classification: Pathogenic for MCOLN1-related condition. Last evaluated: 2025-08-29. Review status: criteria provided, single submitter. Criteria: ACMG Guidelines, 2015. Collection method: clinical testing. Allele origin: germline.
Comment: The MCOLN1 c.406-2A>G variant is predicted to disrupt the AG splice acceptor site and interfere with normal splicing. This variant was previously reported in the homozygous or compound heterozygous states in individuals with mucolipidosis IV (see, for example, Bargal et al. 2000. PubMed ID: 10973263, reported as IVS3-1A>G; Misko et al. 2022. PubMed ID: 35425852). This variant is reported in 0.41% of alleles in individuals of Ashkenazi Jewish descent in gnomAD. Variants that disrupt the consensus splice acceptor site in MCOLN1 are expected to be pathogenic. This variant is interpreted as pathogenic.

Natera, Inc.
Classification: Pathogenic for Mucolipidosis type IV. Last evaluated: 2025-06-24. Review status: criteria provided, single submitter. Criteria: Natera Variant Classification Schema (03/2026). Collection method: clinical testing. Allele origin: germline.
Comment: The c.406-2A>G variant in MCOLN1 is a canonical splice acceptor site variant predicted to affect pre-mRNA splicing, which may result in an abnormal transcript and altered protein product. This variant is expected to result in nonsense mediated decay, truncation, or a dysfunctional protein product. This variant has been observed in one or more individuals affected with the associated recessive disease, as either homozygous or compound heterozygous with a second variant (PMID: 11013137). Additionally, this variant has been observed to segregate in affected family members (PMID: 11013137). Given the available evidence, this variant is classified as Pathogenic.

Blueprint Genetics
Classification: Pathogenic for MCOLN1-related disorders. Last evaluated: 2024-11-27. Review status: criteria provided, single submitter. Criteria: ACMG Guidelines, 2015. Collection method: clinical testing. Allele origin: germline. Affected: yes. Observed: 5 variant alleles.

3billion
Classification: Pathogenic for Mucolipidosis type IV. Last evaluated: 2024-10-16. Review status: criteria provided, single submitter. Criteria: ACMG Guidelines, 2015. Collection method: clinical testing. Allele origin: germline. Affected: yes.
Comment: The variant is observed at an extremely low frequency in the gnomAD v4.1.0 dataset (total allele frequency: 0.010%). Predicted Consequence/Location: Canonical splice site: predicted to alter splicing and result in a loss or disruption of normal protein function. Multiple pathogenic loss-of-function variants are reported downstream of the variant. The variant has been reported at least twice as pathogenic with clinical assertions and evidence for the classification (ClinVar ID: VCV000005131 /PMID: 10973263). Therefore, this variant is classified as Pathogenic according to the recommendation of ACMG/AMP guideline.

Fulgent Genetics
Classification: Pathogenic for Mucolipidosis type IV; Lisch epithelial corneal dystrophy. Last evaluated: 2024-04-25. Review status: criteria provided, single submitter. Criteria: ACMG Guidelines, 2015. Collection method: clinical testing. Allele origin: germline.

CeGaT Center for Human Genetics Tuebingen
Classification: Pathogenic. Last evaluated: 2024-01-01. Review status: criteria provided, single submitter. Criteria: CeGaT Center For Human Genetics Tuebingen Variant Classification Criteria Version 2. Collection method: clinical testing. Allele origin: germline. Affected: yes. Observed: 1 variant allele.
Comment: MCOLN1: PM3:Very Strong, PVS1, PM2

Myriad Genetics, Inc.
Classification: Pathogenic for Mucolipidosis type IV. Last evaluated: 2019-10-18. Review status: criteria provided, single submitter. Criteria: Myriad Women's Health Autosomal Recessive and X-Linked Classification Criteria (2019). Collection method: clinical testing. Allele origin: unknown.
Comment: NM_020533.2(MCOLN1):c.406-2A>G(aka IVS3-2A>G) is classified as pathogenic in the context of mucolipidosis IV. Sources cited for classification include the following: PMID 11317355, 11030752, 11013137, 10973263, 16645217, 16287144, 11845410, 17384215, 1471493347. Classification of NM_020533.2(MCOLN1):c.406-2A>G(aka IVS3-2A>G) is based on the following criteria: The variant is located at a canonical splice site, is expected to disrupt gene function and is reported in individuals with the relevant phenotype. Please note: this variant was assessed in the context of healthy population screening.

Illumina Laboratory Services, Illumina
Classification: Pathogenic for Mucolipidosis type IV. Last evaluated: 2018-09-24. Review status: criteria provided, single submitter. Criteria: ICSL Variant Classification Criteria 09 May 2019. Collection method: clinical testing. Allele origin: germline.
Comment: The MCOLN1 c.406-2A>G variant occurs in a canonical splice site (acceptor) and is therefore predicted to disrupt or distort the normal gene product. Across a selection of the available literature, the c.406-2A>G variant has been identified in a homozygous state in 13 probands and six in a compound heterozygous state including one sibling pair with mucolipidosis (Bargal et al. 2000; Bassi et al. 2000). The variant has also been found in unaffected heterozygous carriers. The c.406-2A>G variant is reported at a frequency of 0.004237 in the Ashkenazi Jewish population of the Genome Aggregation Database. The c.406-2A>G variant causes exon skipping which results in a protein predicted to retain only 3.6% of wild type protein (Bassi et al. 2000). Based on the evidence, the c.406-2A>G variant is classified as pathogenic for mucolipidosis, type IV. This variant was observed by ICSL as part of a predisposition screen in an ostensibly healthy population.